The following is an entry in ClinVar:

NM_015426.5(POC1A):c.557A>G (p.His186Arg)

Gene: POC1A (POC1 centriolar protein A; minus strand). Cytogenetic location: 3p21.2.
Variant type: single nucleotide variant.
Coding change: c.557A>G on transcript NM_015426.5 (MANE Select); coding-DNA position 557, A replaced by G.
Protein change: p.His186Arg; replaces histidine 186 with arginine.
Molecular consequence: missense variant.
Genome position (GRCh38, 1-based): chr3:52,146,994, T>C on the plus strand (A>G on the coding strand, the complement: POC1A is on the minus strand). VCF-style: chr3-52146994-T-C. GRCh37 (hg19) VCF-style: chr3-52181010-T-C.
Other names: c.557A>G, p.His186Arg (NM_001161580.2); c.443A>G, p.His148Arg (NM_001161581.2); short protein forms H148R, H186R.
Identifiers: ClinVar variation 1438614 (VCV001438614.6), dbSNP rs2107194153, ClinGen allele CA353046550.

ClinVar aggregate classification (germline): Uncertain significance (1 of 4 stars; one submission).

Allele frequency attached by ClinVar (database versions not stated): gnomAD exomes below 0.00001.
gnomAD v4.1: 5 of 1,613,672 alleles (0.00031%); highest among the groups gnomAD compares: South Asian, 0.0011%; no homozygotes.

Submission:

Labcorp Genetics (formerly Invitae), Labcorp
Classification: Uncertain significance. Last evaluated: 2022-10-17. Review status: criteria provided, single submitter. Criteria: Invitae Variant Classification Sherloc (09022015). Collection method: clinical testing. Allele origin: germline.
Comment: Advanced modeling of protein sequence and biophysical properties (such as structural, functional, and spatial information, amino acid conservation, physicochemical variation, residue mobility, and thermodynamic stability) performed at Invitae indicates that this missense variant is not expected to disrupt POC1A protein function. In summary, the available evidence is currently insufficient to determine the role of this variant in disease. Therefore, it has been classified as a Variant of Uncertain Significance. ClinVar contains an entry for this variant (Variation ID: 1438614). This variant has not been reported in the literature in individuals affected with POC1A-related conditions. This variant is not present in population databases (gnomAD no frequency). This sequence change replaces histidine, which is basic and polar, with arginine, which is basic and polar, at codon 186 of the POC1A protein (p.His186Arg).